The following is an entry in ClinVar:

NC_000023.10:g.(?_31332523)_(31627738_?)dup

Gene: DMD (dystrophin; minus strand). Cytogenetic location: Xp21.2-21.1.
Variant type: Duplication.
Identifiers: ClinVar variation 584308 (VCV000584308.1).

ClinVar aggregate classification (germline): Pathogenic (1 of 4 stars; one submission).

Conditions:
Duchenne muscular dystrophy (DMD). Also called: MUSCULAR DYSTROPHY, PSEUDOHYPERTROPHIC PROGRESSIVE, DUCHENNE TYPE; Duchenne Muscular Dystrophy (DMD). Identifiers: Orphanet 98896, MedGen C0013264, MONDO:0010679, OMIM 310200.

Submission:

Labcorp Genetics (formerly Invitae), Labcorp
Classification: Pathogenic for Duchenne muscular dystrophy. Last evaluated: 2018-03-23. Review status: criteria provided, single submitter. Criteria: Invitae Variant Classification Sherloc (09022015). Collection method: clinical testing. Allele origin: germline.
Comment: This variant is a gross duplication of the genomic region encompassing exons 56-62 of the DMD gene. While the exact position of the duplicated exons cannot be determined from this data, sub-genic duplications are generally in tandem (PMID: 25640679) and may result in an absent or disrupted protein product. A similar duplication of exons 56-62 has been reported in individuals affected with Duchenne muscular dystrophy (PMID: 19602481, 28610567). Loss-of-function variants in DMD are known to be pathogenic (PMID: 16770791, 25007885). For these reasons, this variant has been classified as Pathogenic.

Literature cited by the submitters: PubMed 19602481; PubMed 28610567.